The following is an entry in ClinVar:

NM_003626.5(PPFIA1):c.3234C>T (p.His1078=)

Genes: CTTN-DT (CTTN divergent transcript; minus strand), PPFIA1 (PTPRF interacting protein alpha 1; plus strand). Cytogenetic location: 11q13.3.
Variant type: single nucleotide variant.
Coding change: c.3234C>T on transcript NM_003626.5 (MANE Select); coding-DNA position 3234, C replaced by T.
Protein change: p.His1078=; no amino-acid change (histidine 1078 retained).
Molecular consequence: synonymous variant. On other transcripts: non-coding transcript variant (1).
Genome position (GRCh38, 1-based): chr11:70,375,012, C>T. VCF-style: chr11-70375012-C-T. GRCh37 (hg19) VCF-style: chr11-70221118-C-T.
Other names: c.3429C>T, p.His1143= (NM_001378006.1); c.3234C>T, p.His1078= (NM_177423.3).
Identifiers: ClinVar variation 3045161 (VCV003045161.2), dbSNP rs142482070, ClinGen allele CA6159618.
Genomic context (GRCh38, chr11:70,375,012, plus strand): 5'-CTGGATCCTGTCAATTGGCCTTAAAGAATATGCAAACAATCTTATAGAGAGTGGTGTTCA[C>T]GGAGCACTTCTGGCCTTAGATGAAACCTTCGACTTCAGTGCACTGGCACTGCTGTTACAG-3'
Protein context (NP_003617.1, residues 1068-1088): YANNLIESGV[His1078=]GALLALDETF

ClinVar aggregate classification (germline): Likely benign (0 of 4 stars; one submission).

Conditions:
PPFIA1-related disorder. Also called: PPFIA1-related condition.

Allele frequency attached by ClinVar (database versions not stated): gnomAD exomes 0.00004; ExAC 0.00014; gnomAD 0.00029; TOPMed 0.00031; ESP Exome Variant Server 0.00038; 1000 Genomes Project 30x 0.00094; 1000 Genomes Project 0.00100.
gnomAD v4.1: 102 of 1,613,798 alleles (0.0063%); highest among the groups gnomAD compares: African/African-American, 0.076%; no homozygotes.

Submission:

PreventionGenetics, part of Exact Sciences
Classification: Likely benign for PPFIA1-related condition. Last evaluated: 2019-11-11. Review status: no assertion criteria provided. Collection method: clinical testing. Allele origin: germline.
Comment: This variant is classified as likely benign based on ACMG/AMP sequence variant interpretation guidelines (Richards et al. 2015 PMID: 25741868, with internal and published modifications).